The following is an entry in ClinVar:

NM_001166160.2(PPP1R9A):c.1362T>C (p.Asn454=)

Gene: PPP1R9A (protein phosphatase 1 regulatory subunit 9A; plus strand). Cytogenetic location: 7q21.3.
Variant type: single nucleotide variant.
Coding change: c.1362T>C on transcript NM_001166160.2 (MANE Select); coding-DNA position 1362, T replaced by C.
Protein change: p.Asn454=; no amino-acid change (asparagine 454 retained).
Molecular consequence: synonymous variant.
Genome position (GRCh38, 1-based): chr7:94,911,475, T>C. VCF-style: chr7-94911475-T-C. GRCh37 (hg19) VCF-style: chr7-94540787-T-C.
Other names: c.1362T>C, p.Asn454= (NM_001166161.1, NM_001166162.1, NM_001166163.1 and 1 more transcripts).
Identifiers: ClinVar variation 3058001 (VCV003058001.2), dbSNP rs144417105, ClinGen allele CA4349385.
Genomic context (GRCh38, chr7:94,911,475, plus strand): 5'-GCCTGATATGGAGTACTCGGAAATTGTTGGATTGCCAGAAGAAGAAGAAATCCCAGCAAA[T>C]AGGAAAATTAAGTTTAGTAGTGCTCCTATTAAGGTAAGTGTGTTTTCTCCATTTTGTTTT-3'
Protein context (NP_001159632.1, residues 444-464): GLPEEEEIPA[Asn454=]RKIKFSSAPI

ClinVar aggregate classification (germline): Likely benign (0 of 4 stars; one submission).

Conditions:
PPP1R9A-related disorder. Also called: PPP1R9A-related condition.

Allele frequency attached by ClinVar (database versions not stated): ExAC 0.00018; TOPMed 0.00018; gnomAD exomes 0.00021; gnomAD 0.00027; ESP Exome Variant Server 0.00054.
gnomAD v4.1: 358 of 1,612,584 alleles (0.022%); highest among the groups gnomAD compares: Non-Finnish European, 0.023%; no homozygotes.

Submission:

PreventionGenetics, part of Exact Sciences
Classification: Likely benign for PPP1R9A-related condition. Last evaluated: 2020-05-21. Review status: no assertion criteria provided. Collection method: clinical testing. Allele origin: germline.
Comment: This variant is classified as likely benign based on ACMG/AMP sequence variant interpretation guidelines (Richards et al. 2015 PMID: 25741868, with internal and published modifications).